The following is an entry in ClinVar:

NM_017950.4(CCDC40):c.1105G>A (p.Ala369Thr)

Gene: CCDC40 (coiled-coil domain 40 molecular ruler complex subunit; plus strand). Cytogenetic location: 17q25.3.
Variant type: single nucleotide variant.
Coding change: c.1105G>A on transcript NM_017950.4 (MANE Select); coding-DNA position 1105, G replaced by A.
Protein change: p.Ala369Thr; replaces alanine 369 with threonine.
Molecular consequence: missense variant.
Genome position (GRCh38, 1-based): chr17:80,050,229, G>A. VCF-style: chr17-80050229-G-A. GRCh37 (hg19) VCF-style: chr17-78024028-G-A.
Other names: c.1105G>A, p.Ala369Thr (NM_001243342.2, NM_001330508.2); short protein forms A369T.
Identifiers: ClinVar variation 566968 (VCV000566968.12), dbSNP rs371071557, ClinGen allele CA8813683.

ClinVar aggregate classification (germline): Conflicting classifications of pathogenicity. Review status: criteria provided, conflicting classifications (1 of 4 stars). 3 submissions from 3 submitters: Uncertain significance (2); Benign (1). Last evaluated 2024-02-02.

Conditions:
Primary ciliary dyskinesia. Also called: Ciliary dyskinesia. Identifiers: Orphanet 244, MedGen C0008780, MONDO:0016575, HP:0012265.
Primary ciliary dyskinesia 15. Also called: CILIARY DYSKINESIA, PRIMARY, 15, WITH OR WITHOUT SITUS INVERSUS. Identifiers: Orphanet 244, MedGen C3151137, MONDO:0013435, OMIM 613808.

Allele frequency attached by ClinVar (database versions not stated): ESP Exome Variant Server 0.00008; gnomAD 0.00008 and 0.00009; TOPMed 0.00008; gnomAD exomes 0.00018; ExAC 0.00033.
gnomAD v4.1: 101 of 1,600,476 alleles (0.0063%); highest among the groups gnomAD compares: Admixed American, 0.074%; no homozygotes.

Submissions (3):

Ambry Genetics
Classification: Benign for Primary ciliary dyskinesia. Last evaluated: 2024-02-02. Review status: criteria provided, single submitter. Criteria: Ambry Variant Classification Scheme 2023. Collection method: clinical testing. Allele origin: germline.

Labcorp Genetics (formerly Invitae), Labcorp
Classification: Uncertain significance for Primary ciliary dyskinesia. Last evaluated: 2022-10-19. Review status: criteria provided, single submitter. Criteria: Invitae Variant Classification Sherloc (09022015). Collection method: clinical testing. Allele origin: germline.
Comment: This sequence change replaces alanine, which is neutral and non-polar, with threonine, which is neutral and polar, at codon 369 of the CCDC40 protein (p.Ala369Thr). This variant is present in population databases (rs371071557, gnomAD 0.1%). This variant has not been reported in the literature in individuals affected with CCDC40-related conditions. ClinVar contains an entry for this variant (Variation ID: 566968). Advanced modeling of protein sequence and biophysical properties (such as structural, functional, and spatial information, amino acid conservation, physicochemical variation, residue mobility, and thermodynamic stability) performed at Invitae indicates that this missense variant is not expected to disrupt CCDC40 protein function. In summary, the available evidence is currently insufficient to determine the role of this variant in disease. Therefore, it has been classified as a Variant of Uncertain Significance.

Illumina Laboratory Services, Illumina
Classification: Uncertain significance for Primary ciliary dyskinesia 15. Last evaluated: 2017-04-27. Review status: criteria provided, single submitter. Criteria: ICSL Variant Classification Criteria 13 December 2019. Collection method: clinical testing. Allele origin: germline.